The following is an entry in ClinVar:

NM_001371986.1(UNC80):c.8993G>A (p.Arg2998His)

Gene: UNC80 (unc-80 homolog, NALCN channel complex subunit; plus strand). Cytogenetic location: 2q34.
Variant type: single nucleotide variant.
Coding change: c.8993G>A on transcript NM_001371986.1 (MANE Select); coding-DNA position 8993, G replaced by A.
Protein change: p.Arg2998His; replaces arginine 2998 with histidine.
Molecular consequence: missense variant.
Genome position (GRCh38, 1-based): chr2:209,978,583, G>A. VCF-style: chr2-209978583-G-A. GRCh37 (hg19) VCF-style: chr2-210843307-G-A.
Other names: c.8795G>A, p.Arg2932His (NM_032504.2); c.8780G>A, p.Arg2927His (NM_182587.4); short protein forms R2927H, R2998H, R2932H.
Identifiers: ClinVar variation 1449048 (VCV001449048.6), dbSNP rs2093071670, ClinGen allele CA350414491.

ClinVar aggregate classification (germline): Uncertain significance (1 of 4 stars; one submission).

Allele frequency attached by ClinVar (database versions not stated): gnomAD 0.00001.
gnomAD v4.1: 21 of 1,550,902 alleles (0.0014%); highest among the groups gnomAD compares: South Asian, 0.0024%; no homozygotes.

Submission:

Labcorp Genetics (formerly Invitae), Labcorp
Classification: Uncertain significance. Last evaluated: 2022-08-20. Review status: criteria provided, single submitter. Criteria: Invitae Variant Classification Sherloc (09022015). Collection method: clinical testing. Allele origin: germline.
Comment: In summary, the available evidence is currently insufficient to determine the role of this variant in disease. Therefore, it has been classified as a Variant of Uncertain Significance. Algorithms developed to predict the effect of missense changes on protein structure and function are either unavailable or do not agree on the potential impact of this missense change (SIFT: "Not Available"; PolyPhen-2: "Probably Damaging"; Align-GVGD: "Not Available"). ClinVar contains an entry for this variant (Variation ID: 1449048). This variant has not been reported in the literature in individuals affected with UNC80-related conditions. This variant is not present in population databases (gnomAD no frequency). This sequence change replaces arginine, which is basic and polar, with histidine, which is basic and polar, at codon 2932 of the UNC80 protein (p.Arg2932His).